The following is an entry in ClinVar:

ClinVar aggregate classification (germline): Likely benign. Review status: criteria provided, multiple submitters, no conflicts (2 of 4 stars). 3 submissions from 3 submitters: Likely benign (3). Last evaluated 2026-06-23.

Conditions:
MFN2-related disorder. Also called: MFN2-related disorders; MFN2-related condition.
Charcot-Marie-Tooth disease type 2. Also called: Charcot-Marie-Tooth type 2. Identifiers: Orphanet 64746, MedGen C0270914, MONDO:0018993.

Allele frequency attached by ClinVar (database versions not stated): ExAC 0.00001; gnomAD exomes 0.00001; TOPMed 0.00002.
gnomAD v4.1: 12 of 1,614,074 alleles (0.00074%); highest among the groups gnomAD compares: Middle Eastern, 0.016%; no homozygotes.

Submissions (3):

PreventionGenetics, part of Exact Sciences
Classification: Likely benign for MFN2-related condition. Last evaluated: 2026-06-23. Review status: criteria provided, single submitter. Criteria: ACMG Guidelines, 2015. Collection method: clinical testing. Allele origin: germline.
Comment: This variant is classified as likely benign based on ACMG/AMP sequence variant interpretation guidelines (Richards et al. 2015 PMID: 25741868, with internal and published modifications).

Labcorp Genetics (formerly Invitae), Labcorp
Classification: Likely benign for Charcot-Marie-Tooth disease type 2. Last evaluated: 2024-04-03. Review status: criteria provided, single submitter. Criteria: Invitae Variant Classification Sherloc (09022015). Collection method: clinical testing. Allele origin: germline.

CeGaT Center for Human Genetics Tuebingen
Classification: Likely benign. Last evaluated: 2022-06-01. Review status: criteria provided, single submitter. Criteria: CeGaT Center For Human Genetics Tuebingen Variant Classification Criteria Version 2. Collection method: clinical testing. Allele origin: germline. Affected: yes. Observed: 1 variant allele.
Comment: MFN2: BP4, BP7

NM_014874.4(MFN2):c.147C>T (p.Tyr49=)

Gene: MFN2 (mitofusin 2; plus strand). Cytogenetic location: 1p36.22.
Variant type: single nucleotide variant.
Coding change: c.147C>T on transcript NM_014874.4 (MANE Select); coding-DNA position 147, C replaced by T.
Protein change: p.Tyr49=; no amino-acid change (tyrosine 49 retained).
Molecular consequence: synonymous variant.
Genome position (GRCh38, 1-based): chr1:11,989,315, C>T. VCF-style: chr1-11989315-C-T. GRCh37 (hg19) VCF-style: chr1-12049372-C-T.
Other names: c.147C>T, p.Tyr49= (NM_001127660.2).
Identifiers: ClinVar variation 2638243 (VCV002638243.27), dbSNP rs755575773, ClinGen allele CA598745.